The following is an entry in ClinVar:

NM_001134363.3(RBM20):c.140_145dup (p.Pro48_Gln49insProPro)

Gene: RBM20 (RNA binding motif protein 20; plus strand). Cytogenetic location: 10q25.2.
Variant type: Duplication.
Coding change: c.140_145dup on transcript NM_001134363.3 (MANE Select); coding-DNA positions 140 to 145, 6 bases duplicated (CGCCCC; older notation c.140_145dupCGCCCC).
Protein change: p.Pro48_Gln49insProPro.
Molecular consequence: inframe insertion.
Genome position (GRCh38, 1-based): chr10:110,644,594-110,644,599, CGCCCC duplicated; duplicating any 6 consecutive bases within chr10:110,644,593-110,644,599 gives the same sequence; the c. name uses the placement nearest the transcript's 3' end. VCF-style (leftmost placement, unchanged base first): chr10-110644592-G-GCCGCCC. GRCh37 (hg19) VCF-style: chr10-112404350-G-GCCGCCC.
Identifiers: ClinVar variation 1939253 (VCV001939253.5), dbSNP rs2493192657, ClinGen allele CA2574675167.

ClinVar aggregate classification (germline): Uncertain significance (1 of 4 stars; one submission).

Conditions:
Dilated cardiomyopathy 1DD (CMD1DD). Identifiers: Orphanet 154, MedGen C2750995, MONDO:0013168, OMIM 613172.

Submission:

Labcorp Genetics (formerly Invitae), Labcorp
Classification: Uncertain significance for Dilated cardiomyopathy 1DD. Last evaluated: 2022-04-08. Review status: criteria provided, single submitter. Criteria: Invitae Variant Classification Sherloc (09022015). Collection method: clinical testing. Allele origin: germline.
Comment: This variant, c.140_145dup, results in the insertion of 2 amino acid(s) of the RBM20 protein (p.Pro47_Pro48dup), but otherwise preserves the integrity of the reading frame. This variant is not present in population databases (gnomAD no frequency). This variant has not been reported in the literature in individuals affected with RBM20-related conditions. Experimental studies and prediction algorithms are not available or were not evaluated, and the functional significance of this variant is currently unknown. In summary, the available evidence is currently insufficient to determine the role of this variant in disease. Therefore, it has been classified as a Variant of Uncertain Significance.